The following is an entry in ClinVar:

GRCh38/hg38 1q21.1-21.2(chr1:146872717-148353641)

Genes: ACP6 (acid phosphatase 6, lysophosphatidic; minus strand), BCL9 (BCL9 transcription coactivator; plus strand), CH17-408M7.1 (uncharacterized LOC102724558; plus strand), CHD1L (chromodomain helicase DNA binding protein 1 like; plus strand), FMO5 (flavin containing dimethylaniline monoxygenase 5; minus strand) and 59 more. Cytogenetic location: 1q21.1-21.2.
Variant type: copy number loss.
Identifiers: ClinVar variation 2665054 (VCV002665054.1).

ClinVar aggregate classification (germline): Pathogenic (1 of 4 stars; one submission).

Conditions:
1q21.1 microdeletion syndrome (BP3-BP4, distal).

Submission:

New York Genome Center
Classification: Pathogenic for 1q21.1 microdeletion syndrome (BP3-BP4, distal). Last evaluated: 2023-08-10. Review status: criteria provided, single submitter. Criteria: NYGC Assertion Criteria 2020. Collection method: clinical testing. Allele origin: de novo. Affected: yes. Observed: 1 variant allele.
Comment: This ~1.48 Mb deletion completely overlaps with the recurrent 1q21.1 microdeletion syndrome occurring between BP3-BP4 breakpoints, which has been curated by ClinGen to have a "sufficient evidence for haploinsufficiency". Recurrent 1q21.1 deletions similar to the one identified here have previously been reported in multiple individuals in the literature with mild neurodevelopmental delay, dysmorphic facial features, eye abnormalities including cataract, structural and valvular heart defects, skeletal abnormalities including scoliosis, joint laxity, brachydactyly, broad or duplicated/bifid great toes, overlapping or syndactyly of the toes, and polydactyly of the hands or feet, and genitourinary abnormalities including vesicoureteral reflux, hydronephrosis, inguinal hernia, and cryptorchidism. Postnatal short stature, failure to thrive, and growth retardation have also been reported. Some of these phenotypes may manifest prenatally [DOI 10.1155/2022/5487452]. Phenotypic variability and incomplete penetrance have been observed [PMID: 21348049]. Based on available evidence this de novo deletion at 1q21.1q21.2 is classified as Pathogenic.